The following is an entry in ClinVar:

NM_001042517.2(DIAPH3):c.1657G>A (p.Ala553Thr)

Gene: DIAPH3 (diaphanous related formin 3; minus strand). Cytogenetic location: 13q21.2.
Variant type: single nucleotide variant.
Coding change: c.1657G>A on transcript NM_001042517.2 (MANE Select); coding-DNA position 1657, G replaced by A.
Protein change: p.Ala553Thr; replaces alanine 553 with threonine.
Molecular consequence: missense variant.
Genome position (GRCh38, 1-based): chr13:59,971,154, C>T on the plus strand (G>A on the coding strand, the complement: DIAPH3 is on the minus strand). VCF-style: chr13-59971154-C-T. GRCh37 (hg19) VCF-style: chr13-60545288-C-T.
Other names: c.1447G>A, p.Ala483Thr (NM_001258368.2); c.1657G>A, p.Ala553Thr (NM_001258369.2); c.868G>A, p.Ala290Thr (NM_001258370.2, NM_030932.4); c.1624G>A, p.Ala542Thr (NM_001258366.2); c.1519G>A, p.Ala507Thr (NM_001258367.2); short protein forms A542T, A507T, A553T, A290T, A483T.
Identifiers: ClinVar variation 2749810 (VCV002749810.3), dbSNP rs2050350541, ClinGen allele CA388331639.

ClinVar aggregate classification (germline): Uncertain significance (1 of 4 stars; one submission).

gnomAD v4.1: 2 of 1,574,370 alleles (0.00013%); highest among the groups gnomAD compares: East Asian, 0.0023%; no homozygotes.

Submission:

Labcorp Genetics (formerly Invitae), Labcorp
Classification: Uncertain significance. Last evaluated: 2023-08-03. Review status: criteria provided, single submitter. Criteria: Invitae Variant Classification Sherloc (09022015). Collection method: clinical testing. Allele origin: germline.
Comment: This sequence change replaces alanine, which is neutral and non-polar, with threonine, which is neutral and polar, at codon 553 of the DIAPH3 protein (p.Ala553Thr). This variant is not present in population databases (gnomAD no frequency). This variant has not been reported in the literature in individuals affected with DIAPH3-related conditions. An algorithm developed to predict the effect of missense changes on protein structure and function (PolyPhen-2) suggests that this variant is likely to be tolerated. In summary, the available evidence is currently insufficient to determine the role of this variant in disease. Therefore, it has been classified as a Variant of Uncertain Significance.